The following is an entry in ClinVar:

NM_000217.3(KCNA1):c.892A>G (p.Arg298Gly)

Gene: KCNA1 (potassium voltage-gated channel subfamily A member 1; plus strand). Cytogenetic location: 12p13.32.
Variant type: single nucleotide variant.
Coding change: c.892A>G on transcript NM_000217.3 (MANE Select); coding-DNA position 892, A replaced by G.
Protein change: p.Arg298Gly; replaces arginine 298 with glycine.
Molecular consequence: missense variant.
Genome position (GRCh38, 1-based): chr12:4,912,270, A>G. VCF-style: chr12-4912270-A-G. GRCh37 (hg19) VCF-style: chr12-5021436-A-G.
Other names: short protein forms R298G.
Identifiers: ClinVar variation 3897147 (VCV003897147.1).

ClinVar aggregate classification (germline): Uncertain significance (1 of 4 stars; one submission).

Submission:

GeneDx
Classification: Uncertain significance. Last evaluated: 2024-11-05. Review status: criteria provided, single submitter. Criteria: GeneDx Variant Classification Process June 2021. Collection method: clinical testing. Allele origin: germline. Affected: yes.
Comment: Not observed at significant frequency in large population cohorts (gnomAD); In silico analysis supports that this missense variant has a deleterious effect on protein structure/function; Has not been previously published as pathogenic or benign to our knowledge